The following is an entry in ClinVar:

ClinVar aggregate classification (germline): Uncertain significance (1 of 4 stars; one submission).

Submission:

Labcorp Genetics (formerly Invitae), Labcorp
Classification: Uncertain significance. Last evaluated: 2025-03-23. Review status: criteria provided, single submitter. Criteria: Invitae Variant Classification Sherloc (09022015). Collection method: clinical testing. Allele origin: germline.
Comment: This sequence change falls in intron 2 of the GPR143 gene. It does not directly change the encoded amino acid sequence of the GPR143 protein. It affects a nucleotide within the consensus splice site. This variant is not present in population databases (gnomAD no frequency). This variant has been observed in individual(s) with ocular albinism (internal data). ClinVar contains an entry for this variant (Variation ID: 2026148). Variants that disrupt the consensus splice site are a relatively common cause of aberrant splicing (PMID: 17576681, 9536098). Algorithms developed to predict the effect of sequence changes on RNA splicing suggest that this variant may disrupt the consensus splice site. In summary, the available evidence is currently insufficient to determine the role of this variant in disease. Therefore, it has been classified as a Variant of Uncertain Significance.

Literature cited by the submitters: PubMed 17576681; PubMed 9536098.

NM_000273.3(GPR143):c.360+3G>C

Gene: GPR143 (G protein-coupled receptor 143; minus strand). Cytogenetic location: Xp22.2.
Variant type: single nucleotide variant.
Coding change: c.360+3G>C on transcript NM_000273.3 (MANE Select); 3 bases into the intron after coding-DNA position 360, G replaced by C.
Molecular consequence: intron variant.
Genome position (GRCh38, 1-based): chrX:9,760,714, C>G on the plus strand (G>C on the coding strand, the complement: GPR143 is on the minus strand). VCF-style: chrX-9760714-C-G. GRCh37 (hg19) VCF-style: chrX-9728754-C-G.
Identifiers: ClinVar variation 2026148 (VCV002026148.4), dbSNP rs2518638116, ClinGen allele CA2580101973.
Genomic context (GRCh38, chrX:9,760,714, plus strand): 5'-CTGCTGCTGCGATTTGAGGAGCATAAGTAGGGAGGAGAGGGCATGCAGAGGGGGTGGACT[C>G]ACCGCACTCCCCACGCAGAAAGCAGCAGGCCAAATTTCCGTGTGGTTCATATCCGAGACG-3'